The following is an entry in ClinVar:

NM_004958.4(MTOR):c.4475A>G (p.Gln1492Arg)

Gene: MTOR (mechanistic target of rapamycin kinase; minus strand). Cytogenetic location: 1p36.22.
Variant type: single nucleotide variant.
Coding change: c.4475A>G on transcript NM_004958.4 (MANE Select); coding-DNA position 4475, A replaced by G.
Protein change: p.Gln1492Arg; replaces glutamine 1492 with arginine.
Molecular consequence: missense variant.
Genome position (GRCh38, 1-based): chr1:11,150,221, T>C on the plus strand (A>G on the coding strand, the complement: MTOR is on the minus strand). VCF-style: chr1-11150221-T-C. GRCh37 (hg19) VCF-style: chr1-11210278-T-C.
Other names: c.4475A>G (NM_004958.3); short protein forms Q1492R.
Identifiers: ClinVar variation 1021836 (VCV001021836.9), dbSNP rs145440700, ClinGen allele CA589625.
Genomic context (GRCh38, chr1:11,150,221, plus strand): 5'-ATCTTGGCTTGGGTCTCATCATTAACCAGGGTCCACTTTTCACAGCACTGCTGGTGGAGT[T>C]GACCCCTGAAGAAAATGAATTATATAGTCAGATTAATCCAAATCTCCTTAAACTACCAAT-3'
Protein context (NP_004949.1, residues 1482-1502): RCLEALGEWG[Gln1492Arg]LHQQCCEKWT

ClinVar aggregate classification (germline): Conflicting classifications of pathogenicity. Review status: criteria provided, conflicting classifications (1 of 4 stars). 3 submissions from 3 submitters: Uncertain significance (1); Benign (1); Likely benign (1). Last evaluated 2025-12-02.

Conditions:
MTOR-related disorder. Also called: MTOR-related condition.

Allele frequency attached by ClinVar (database versions not stated): TOPMed 0.00002; gnomAD 0.00005; gnomAD exomes 0.00005; ESP Exome Variant Server 0.00008; ExAC 0.00011.

Submissions (3):

Labcorp Genetics (formerly Invitae), Labcorp
Classification: Benign. Last evaluated: 2025-12-02. Review status: criteria provided, single submitter. Criteria: Invitae Variant Classification Sherloc (09022015). Collection method: clinical testing. Allele origin: germline.

PreventionGenetics, part of Exact Sciences
Classification: Uncertain significance for MTOR-related condition. Last evaluated: 2025-10-01. Review status: criteria provided, single submitter. Criteria: ACMG Guidelines, 2015. Collection method: clinical testing. Allele origin: germline.
Comment: The MTOR c.4475A>G variant is predicted to result in the amino acid substitution p.Gln1492Arg. To our knowledge, this variant has not been reported in the literature. This variant is reported in 0.012% of alleles in individuals of European (non-Finnish) descent in gnomAD and has conflicting classifications in ClinVar ranging from benign to uncertain (Variation (ID: 1021836). At this time, the clinical significance of this variant is uncertain due to the absence of conclusive functional and genetic evidence.

Blueprint Genetics
Classification: Likely benign. Last evaluated: 2024-10-07. Review status: criteria provided, single submitter. Criteria: ACMG Guidelines, 2015. Collection method: clinical testing. Allele origin: germline.